The following is an entry in ClinVar:

NM_001458.5(FLNC):c.4054_4056delinsTGT (p.Arg1352Cys)

Gene: FLNC (filamin C; plus strand). Cytogenetic location: 7q32.1.
Variant type: Indel.
Coding change: c.4054_4056delinsTGT on transcript NM_001458.5 (MANE Select); coding-DNA positions 4054 to 4056, CGC replaced by TGT.
Protein change: p.Arg1352Cys; replaces arginine 1352 with cysteine.
Molecular consequence: missense variant.
Genome position (GRCh38, 1-based): chr7:128,846,390-128,846,392, CGC replaced by TGT. VCF-style: chr7-128846390-CGC-TGT. GRCh37 (hg19) VCF-style: chr7-128486444-CGC-TGT.
Other names: c.4054_4056delinsTGT, p.Arg1352Cys (NM_001127487.2); short protein forms R1352C.
Identifiers: ClinVar variation 4614201 (VCV004614201.1).

ClinVar aggregate classification (germline): Uncertain significance (1 of 4 stars; one submission).

Conditions:
Cardiovascular phenotype. Identifiers: MedGen CN230736.

Submission:

Ambry Genetics
Classification: Uncertain significance for Cardiovascular phenotype. Last evaluated: 2025-11-26. Review status: criteria provided, single submitter. Criteria: Ambry Variant Classification Scheme 2023. Collection method: clinical testing. Allele origin: germline.
Comment: The c.4054_4056delCGCinsTGT variant (also known as p.R1352C ), located in coding exon 23 of the FLNC gene, results from an in-frame deletion of CGC and insertion of TGT at nucleotide positions 4054 to 4056. This results in the substitution of the arginine residue for a cysteine residue at codon 1352, an amino acid with highly dissimilar properties. This amino acid position is highly conserved in available vertebrate species. In addition, this variant is predicted to be deleterious by in silico analysis (Choi Y et al. PLoS ONE. 2012; 7(10):e46688). Based on data from gnomAD, this allele has an overall frequency of <0.01% (6/278502) total alleles studied. The highest observed frequency was <0.01% (1/24148) of African alleles. Based on the available evidence, the clinical significance of this variant remains unclear.